The following is an entry in ClinVar:

ClinVar aggregate classification (germline): Likely benign (0 of 4 stars; one submission).

Conditions:
EHHADH-related disorder. Also called: EHHADH-related condition.

gnomAD v4.1: 49 of 1,614,178 alleles (0.003%); highest among the groups gnomAD compares: South Asian, 0.053%; no homozygotes.

Submission:

PreventionGenetics, part of Exact Sciences
Classification: Likely benign for EHHADH-related condition. Last evaluated: 2024-03-11. Review status: no assertion criteria provided. Collection method: clinical testing. Allele origin: germline.
Comment: This variant is classified as likely benign based on ACMG/AMP sequence variant interpretation guidelines (Richards et al. 2015 PMID: 25741868, with internal and published modifications).

NM_001966.4(EHHADH):c.1756T>C (p.Leu586=)

Gene: EHHADH (enoyl-CoA hydratase and 3-hydroxyacyl CoA dehydrogenase; minus strand). Cytogenetic location: 3q27.2.
Variant type: single nucleotide variant.
Coding change: c.1756T>C on transcript NM_001966.4 (MANE Select); coding-DNA position 1756, T replaced by C.
Protein change: p.Leu586=; no amino-acid change (leucine 586 retained).
Molecular consequence: synonymous variant.
Genome position (GRCh38, 1-based): chr3:185,192,642, A>G on the plus strand (T>C on the coding strand, the complement: EHHADH is on the minus strand). VCF-style: chr3-185192642-A-G. GRCh37 (hg19) VCF-style: chr3-184910430-A-G.
Other names: c.1468T>C, p.Leu490= (NM_001166415.2).
Identifiers: ClinVar variation 3354955 (VCV003354955.1).